The following is an entry in ClinVar:

ClinVar aggregate classification (germline): Conflicting classifications of pathogenicity. Review status: criteria provided, conflicting classifications (1 of 4 stars). 12 submissions from 12 submitters: Pathogenic (1); Uncertain significance (4); Benign (2); Likely benign (1). 4 of the submissions do not count toward it. Last evaluated 2026-01-14.

Conditions:
Type 1 diabetes mellitus 2. Identifiers: MedGen C1852092, MONDO:0007454, OMIM 125852.
Hyperlipidemia due to hepatic triglyceride lipase deficiency. Also called: LIPC DEFICIENCY. Identifiers: Orphanet 140905, MedGen C3151466, MONDO:0013533, OMIM 614025.
High density lipoprotein cholesterol level quantitative trait locus 12 (HDLCQ12). Identifiers: MedGen C2675071, OMIM 612797.
Type 2 diabetes mellitus. Also called: Type II diabetes mellitus. Identifiers: MedGen C0011860, MeSH D003924, MONDO:0005148, OMIM 125853, HP:0005978.

Allele frequency attached by ClinVar (database versions not stated): TOPMed 0.00148; gnomAD exomes 0.00253 and 0.00293; ExAC 0.00276; gnomAD 0.00288 and 0.00299; 1000 Genomes Project 30x 0.00109; 1000 Genomes Project 0.00120; ESP Exome Variant Server 0.00139.
gnomAD v4.1: 4,114 of 1,614,152 alleles (0.25%); highest among the groups gnomAD compares: Non-Finnish European, 0.24%; 19 homozygotes.

Submissions (12):

Labcorp Genetics (formerly Invitae), Labcorp
Classification: Benign. Last evaluated: 2026-01-14. Review status: criteria provided, single submitter. Criteria: Invitae Variant Classification Sherloc (09022015). Collection method: clinical testing. Allele origin: germline.

CeGaT Center for Human Genetics Tuebingen
Classification: Likely benign. Last evaluated: 2024-08-01. Review status: criteria provided, single submitter. Criteria: CeGaT Center For Human Genetics Tuebingen Variant Classification Criteria Version 2. Collection method: clinical testing. Allele origin: germline. Affected: yes. Observed: 2 variant alleles.
Comment: LIPC: BS1

Department of Pathology and Laboratory Medicine, Sinai Health System
Classification: Uncertain significance for Type 2 diabetes mellitus; Hyperlipidemia due to hepatic triglyceride lipase deficiency. Last evaluated: 2023-09-20. Review status: criteria provided, single submitter. Criteria: ACMG Guidelines, 2015. Collection method: research. Allele origin: germline.

Mendelics
Classification: Pathogenic for Type 2 diabetes mellitus. Last evaluated: 2022-05-04. Review status: criteria provided, single submitter. Criteria: Mendelics Assertion Criteria 2019. Collection method: clinical testing. Allele origin: germline.

New York Genome Center
Classification: Uncertain significance for Type 1 diabetes mellitus 2; High density lipoprotein cholesterol level quantitative trait locus 12; Hyperlipidemia due to hepatic triglyceride lipase deficiency. Last evaluated: 2022-02-24. Review status: criteria provided, single submitter. Criteria: NYGC Assertion Criteria 2020. Collection method: clinical testing. Allele origin: germline. Observed: 2 heterozygotes. Clinical features observed: Hyperlipidemia (HP:0003077), Hepatic steatosis (HP:0001397), Diabetes mellitus (HP:0000819).

GeneDx
Classification: Benign. Last evaluated: 2020-11-09. Review status: criteria provided, single submitter. Criteria: GeneDx Variant Classification Process June 2021. Collection method: clinical testing. Allele origin: germline. Affected: yes.
Comment: This variant is associated with the following publications: (PMID: 32041611, 31589614, 31980526, 30333156, 28870971, 1671786, 24082139, 24497850, 20981092, 8732782, 1883393, 23685560, 8123642)

Laboratory for Molecular Medicine, Mass General Brigham Personalized Medicine
Classification: Uncertain significance. Last evaluated: 2020-06-24. Review status: criteria provided, single submitter. Criteria: LMM Criteria. Collection method: clinical testing. Allele origin: germline. Observed: 1 variant allele.
Comment: Variant classified as Uncertain Significance - Favor Pathogenic. The p.Thr405Met variant in LIPC (also reported as p.Thr383Met in the literature) has been identified in the compound heterozygous state in at least 2 individuals with hepatic lipase deficiency and segregated with disease in 5 affected relatives from 2 families (Hegele 1991 PMID: 1883393, Hegele 1991 PMID: 1671786, Ruel 2003 PMID: 12777476 ). This variant has also been identified in the heterozygous state in 3 individuals with biochemical features consistent with hepatic lipase deficiency (Knudsen 1996 PMID: 8732782, Motazacker 2013 PMID: 23685560, Geller 2018 PMID: 30333156). Additionally, this variant has been reported in ClinVar (Variation ID # 14451) and has been identified in 1.5% (388/25112) of Finnish chromosomes, including 3 homozygotes, and 0.3% (460/129166) of European chromosomes, including 2 homozygotes, by gnomAD. In vitro functional studies provide some evidence that this variant impacts protein function (Knudsen 1996 PMID: 8732782, Durstenfeld 1994 PMID: 8123642); however, these types of assays may not accurately represent biological function. Computational prediction tools and conservation analyses do not provide strong support for or against an impact to the protein. In summary, while there is some suspicion for a pathogenic role, the clinical significance of this variant is uncertain as it is unclear what clinical effect of the biochemical change in lipid levels has on people with hepatic lipase deficiency, particularly on how they affect the risk of atherosclerosis in some individuals and not in others and whether that risk is greater than individuals in the general population (Brunzell 2011 PMID: 21986251, Kobayashi 2015 PMID: 25995285). ACMG/AMP Criteria applied:PP1_Strong, PM3, PS3_Supporting.

Illumina Laboratory Services, Illumina
Classification: Uncertain significance for Hyperlipidemia due to hepatic triglyceride lipase deficiency. Last evaluated: 2017-04-27. Review status: criteria provided, single submitter. Criteria: ICSL Variant Classification Criteria 13 December 2019. Collection method: clinical testing. Allele origin: germline.
Comment: This variant was observed as part of a predisposition screen in an ostensibly healthy population. A literature search was performed for the gene, cDNA change, and amino acid change (where applicable). Publications were found based on this search. However, the evidence from the literature, in combination with allele frequency data from public databases where available, was not sufficient to rule this variant in or out of causing disease. Therefore, this variant is classified as a variant of unknown significance.

Reproductive Health Research and Development, BGI Genomics
Classification: Likely pathogenic for Hepatic lipase deficiency. Last evaluated: 2020-01-06. Review status: no assertion criteria provided. Collection method: curation. Allele origin: germline. Not counted in ClinVar's aggregate classification.
Comment: NM_000236.2:c.1214C>T in the LIPC gene has an allele frequency of 0.015 in European(Finnish) subpopulation in the gnomAD database.Functional studies demonstrate that p.Thr405Met has reduced enzymatic activity (PMID: 1883393). It was detected in multiple individuals with autosomal recessive Hepatic lipase deficiency, compound heterozygous with c.1214C>T (p.Thr405Met) (PMID: 1883393).The patient's phenotype is highly specific for LIPC gene (PMID: 1671786). Taken together, we interprete this variant as Pathogenic/Likely pathogenic. ACMG/AMP criteria applied: PS3; PM3; PP4.

OMIM
Classification: Pathogenic for HEPATIC LIPASE DEFICIENCY. Last evaluated: 2003-08-01. Review status: no assertion criteria provided. Collection method: literature only. Allele origin: germline. Not counted in ClinVar's aggregate classification.

Clinical Genetics DNA and cytogenetics Diagnostics Lab, Erasmus MC, Erasmus Medical Center
Classification: Uncertain significance. Review status: no assertion criteria provided. Collection method: clinical testing. Allele origin: germline. Affected: yes. Study: VKGL Data-share Consensus. Not counted in ClinVar's aggregate classification.

Clinical Genetics, Academic Medical Center
Classification: Uncertain significance. Review status: no assertion criteria provided. Collection method: clinical testing. Allele origin: germline. Affected: yes. Study: VKGL Data-share Consensus. Not counted in ClinVar's aggregate classification.

Literature cited by the submitters: PubMed 30333156 (cited by Laboratory for Molecular Medicine, Mass General Brigham Personalized Medicine); PubMed 12777476 (cited by 3 submitters); PubMed 8123642 (cited by Laboratory for Molecular Medicine, Mass General Brigham Personalized Medicine and Illumina Laboratory Services, Illumina); PubMed 8732782 (cited by 3 submitters); PubMed 24497850 (cited by Laboratory for Molecular Medicine, Mass General Brigham Personalized Medicine); PubMed 28870971 (cited by Laboratory for Molecular Medicine, Mass General Brigham Personalized Medicine); PubMed 21986251 (cited by Laboratory for Molecular Medicine, Mass General Brigham Personalized Medicine); PubMed 25995285 (cited by Laboratory for Molecular Medicine, Mass General Brigham Personalized Medicine); PubMed 1883393 (cited by 3 submitters); PubMed 1671786 (cited by 3 submitters); PubMed 23685560 (cited by Laboratory for Molecular Medicine, Mass General Brigham Personalized Medicine and Illumina Laboratory Services, Illumina); PubMed 24633158 (cited by Illumina Laboratory Services, Illumina).

NM_000236.3(LIPC):c.1214C>T (p.Thr405Met)

Gene: LIPC (lipase C, hepatic type; plus strand). Cytogenetic location: 15q21.3.
Variant type: single nucleotide variant.
Coding change: c.1214C>T on transcript NM_000236.3 (MANE Select); coding-DNA position 1214, C replaced by T.
Protein change: p.Thr405Met; replaces threonine 405 with methionine.
Molecular consequence: missense variant.
Genome position (GRCh38, 1-based): chr15:58,563,549, C>T. VCF-style: chr15-58563549-C-T. GRCh37 (hg19) VCF-style: chr15-58855748-C-T.
Other names: T383M; short protein forms T405M.
Identifiers: ClinVar variation 14451 (VCV000014451.46), dbSNP rs113298164, ClinGen allele CA210843.